The following is an entry in ClinVar:

NM_012120.3(CD2AP):c.304A>G (p.Lys102Glu)

Gene: CD2AP (CD2 associated protein; plus strand). Cytogenetic location: 6p12.3.
Variant type: single nucleotide variant.
Coding change: c.304A>G on transcript NM_012120.3 (MANE Select); coding-DNA position 304, A replaced by G.
Protein change: p.Lys102Glu; replaces lysine 102 with glutamic acid.
Molecular consequence: missense variant.
Genome position (GRCh38, 1-based): chr6:47,533,740, A>G. VCF-style: chr6-47533740-A-G. GRCh37 (hg19) VCF-style: chr6-47501476-A-G.
Other names: short protein forms K102E.
Identifiers: ClinVar variation 2636719 (VCV002636719.2), dbSNP rs374695299, ClinGen allele CA3843941.

ClinVar aggregate classification (germline): Uncertain significance. Review status: criteria provided, multiple submitters, no conflicts (2 of 4 stars). 2 submissions from 2 submitters: Uncertain significance (2). Last evaluated 2025-09-26.

Conditions:
Inborn genetic diseases. Identifiers: MedGen C0950123, MeSH D030342.
CD2AP-related disorder. Also called: CD2AP-related condition.

Allele frequency attached by ClinVar (database versions not stated): gnomAD 0.00003; gnomAD exomes 0.00004; ExAC 0.00007; TOPMed below 0.00001; 1000 Genomes Project 30x 0.00016; 1000 Genomes Project 0.00020.
gnomAD v4.1: 56 of 1,613,862 alleles (0.0035%); highest among the groups gnomAD compares: South Asian, 0.06%; no homozygotes.

Submissions (2):

Ambry Genetics
Classification: Uncertain significance for Inborn genetic diseases. Last evaluated: 2025-09-26. Review status: criteria provided, single submitter. Criteria: Ambry Variant Classification Scheme 2023. Collection method: clinical testing. Allele origin: germline.

PreventionGenetics, part of Exact Sciences
Classification: Uncertain significance for CD2AP-related condition. Last evaluated: 2022-12-20. Review status: criteria provided, single submitter. Criteria: ACMG Guidelines, 2015. Collection method: clinical testing. Allele origin: germline.
Comment: The CD2AP c.304A>G variant is predicted to result in the amino acid substitution p.Lys102Glu. To our knowledge, this variant has not been reported in the literature. This variant is reported in 0.078% of alleles in individuals of South Asian descent in gnomAD. At this time, the clinical significance of this variant is uncertain due to the absence of conclusive functional and genetic evidence.